The following is an entry in ClinVar:

NM_178857.6(RP1L1):c.7143C>A (p.Leu2381=)

Gene: RP1L1 (RP1 like 1). Cytogenetic location: 8p23.1.
Variant type: single nucleotide variant.
Coding change: c.7143C>A on transcript NM_178857.6 (MANE Select); coding-DNA position 7143, C replaced by A.
Protein change: p.Leu2381=; no amino-acid change (leucine 2381 retained).
Molecular consequence: synonymous variant.
Genome position (GRCh38, 1-based): chr8:10,606,955, G>T on the plus strand (C>A on the coding strand, the complement: RP1L1 is on the minus strand). VCF-style: chr8-10606955-G-T. GRCh37 (hg19) VCF-style: chr8-10464465-G-T.
Identifiers: ClinVar variation 910032 (VCV000910032.29), dbSNP rs112520779, ClinGen allele CA4623066.

ClinVar aggregate classification (germline): Benign/Likely benign. Review status: criteria provided, multiple submitters, no conflicts (2 of 4 stars). 3 submissions from 3 submitters: Benign (1); Likely benign (2). Last evaluated 2026-07-01.

Conditions:
Occult macular dystrophy (OCMD). Also called: OMD; OCCULT MACULAR DYSTROPHY, SUSCEPTIBILITY TO. Identifiers: Orphanet 247834, MedGen C3150833, MONDO:0013316, OMIM 613587, HP:0030636.

Allele frequency attached by ClinVar (database versions not stated): TOPMed 0.00014; 1000 Genomes Project 30x 0.00016.
gnomAD v4.1: 279 of 1,614,230 alleles (0.017%); highest among the groups gnomAD compares: Non-Finnish European, 0.022%; no homozygotes.

Submissions (3):

CeGaT Center for Human Genetics Tuebingen
Classification: Likely benign. Last evaluated: 2026-07-01. Review status: criteria provided, single submitter. Criteria: CeGaT Center For Human Genetics Tuebingen Variant Classification Criteria Version 2. Collection method: clinical testing. Allele origin: germline. Affected: yes. Observed: 2 variant alleles.
Comment: RP1L1: BP4, BP7

Blueprint Genetics
Classification: Likely benign. Last evaluated: 2024-09-11. Review status: criteria provided, single submitter. Criteria: ACMG Guidelines, 2015. Collection method: clinical testing. Allele origin: germline.

Illumina Laboratory Services, Illumina
Classification: Benign for Occult macular dystrophy. Last evaluated: 2018-01-13. Review status: criteria provided, single submitter. Criteria: ICSL Variant Classification Criteria 13 December 2019. Collection method: clinical testing. Allele origin: germline.
Comment: This variant was observed in the ICSL laboratory as part of a predisposition screen in an ostensibly healthy population. It had not been previously curated by ICSL or reported in the Human Gene Mutation Database (HGMD: prior to June 1st, 2018), and was therefore a candidate for classification through an automated scoring system. Utilizing variant allele frequency, disease prevalence and penetrance estimates, and inheritance mode, an automated score was calculated to assess if this variant is too frequent to cause the disease. Based on the score and internal cut-off values, a variant classified as benign is not then subjected to further curation. The score for this variant resulted in a classification of benign for this disease.